The following is an entry in ClinVar:

NM_000179.3(MSH6):c.1153A>G (p.Arg385Gly)

Gene: MSH6 (mutS homolog 6; plus strand). Cytogenetic location: 2p16.3.
Variant type: single nucleotide variant.
Coding change: c.1153A>G on transcript NM_000179.3 (MANE Select); coding-DNA position 1153, A replaced by G.
Protein change: p.Arg385Gly; replaces arginine 385 with glycine.
Molecular consequence: missense variant. On other transcripts: non-coding transcript variant (4), intron variant (1).
Genome position (GRCh38, 1-based): chr2:47,799,136, A>G. VCF-style: chr2-47799136-A-G. GRCh37 (hg19) VCF-style: chr2-48026275-A-G.
Other names: c.763A>G, p.Arg255Gly (NM_001281492.2); c.247A>G, p.Arg83Gly (NM_001281493.2, NM_001281494.2, NM_001406811.1 and 6 more transcripts); c.1249A>G, p.Arg417Gly (NM_001406795.1, NM_001406802.1); c.1153A>G, p.Arg385Gly (NM_001406796.1, NM_001406808.1, NM_001406809.1 and 4 more transcripts); c.856A>G, p.Arg286Gly (NM_001406797.1, NM_001406801.1, NM_001406805.1 and 10 more transcripts); c.628A>G, p.Arg210Gly (NM_001406807.1, NM_001406799.1, NM_001406806.1); c.1159A>G, p.Arg387Gly (NM_001406813.1); c.628-1530A>G (NM_001407362.1); and 2 more; short protein forms R286G, R385G, R387G, R210G, R417G, R83G, R255G, R329G.
Identifiers: ClinVar variation 5024868 (VCV005024868.1).

ClinVar aggregate classification (germline): Uncertain significance (1 of 4 stars; one submission).

Conditions:
Hereditary cancer-predisposing syndrome. Also called: Neoplastic Syndromes, Hereditary; Tumor predisposition; Hereditary neoplastic syndrome; Hereditary Cancer Syndrome. Identifiers: Orphanet 140162, MedGen C0027672, MeSH D009386, MONDO:0015356.

Submission:

Ambry Genetics
Classification: Uncertain significance for Hereditary cancer-predisposing syndrome. Last evaluated: 2026-06-23. Review status: criteria provided, single submitter. Criteria: Ambry Variant Classification Scheme 2023. Collection method: clinical testing. Allele origin: germline.
Comment: The p.R385G variant (also known as c.1153A>G), located in coding exon 4 of the MSH6 gene, results from an A to G substitution at nucleotide position 1153. The arginine at codon 385 is replaced by glycine, an amino acid with dissimilar properties. This amino acid position is highly conserved in available vertebrate species. In addition, this alteration is predicted to be deleterious by in silico analysis. Based on the available evidence, the clinical significance of this variant remains unclear.